The following is an entry in ClinVar:

NM_006129.5(BMP1):c.1765+204T>C

Gene: BMP1 (bone morphogenetic protein 1; plus strand). Cytogenetic location: 8p21.3.
Variant type: single nucleotide variant.
Coding change: c.1765+204T>C on transcript NM_006129.5 (MANE Select); 204 bases into the intron after coding-DNA position 1765, T replaced by C.
Molecular consequence: intron variant.
Genome position (GRCh38, 1-based): chr8:22,195,791, T>C. VCF-style: chr8-22195791-T-C. GRCh37 (hg19) VCF-style: chr8-22053304-T-C.
Other names: c.1765+204T>C (NM_001199.4).
Identifiers: ClinVar variation 681017 (VCV000681017.1), dbSNP rs12675442, ClinGen allele CA173466083.

ClinVar aggregate classification (germline): Benign (1 of 4 stars; one submission).

Allele frequency attached by ClinVar (database versions not stated): gnomAD 0.04094 and 0.04313; TOPMed 0.04594; 1000 Genomes Project 0.06310; 1000 Genomes Project 30x 0.06418.

Submission:

GeneDx
Classification: Benign. Last evaluated: 2018-06-14. Review status: criteria provided, single submitter. Criteria: GeneDx Variant Classification (06012015). Collection method: clinical testing. Allele origin: germline. Affected: yes.
Comment: This variant is considered likely benign or benign based on one or more of the following criteria: it is a conservative change, it occurs at a poorly conserved position in the protein, it is predicted to be benign by multiple in silico algorithms, and/or has population frequency not consistent with disease.